The following is an entry in ClinVar:

ClinVar aggregate classification (germline): Conflicting classifications of pathogenicity. Review status: criteria provided, conflicting classifications (1 of 4 stars). 2 submissions from 2 submitters: Uncertain significance (1); Likely benign (1). Last evaluated 2024-02-17.

Conditions:
Nemaline myopathy 6 (NEM6). Also called: Nemaline myopathy 6, autosomal dominant. Identifiers: Orphanet 171439, MedGen C1836472, MONDO:0012237, OMIM 609273.

Allele frequency attached by ClinVar (database versions not stated): gnomAD 0.00001; gnomAD exomes 0.00001.
gnomAD v4.1: 12 of 1,525,856 alleles (0.00079%); highest among the groups gnomAD compares: Non-Finnish European, 0.00088%; no homozygotes.

Submissions (2):

Labcorp Genetics (formerly Invitae), Labcorp
Classification: Uncertain significance for Nemaline myopathy 6. Last evaluated: 2024-02-17. Review status: criteria provided, single submitter. Criteria: Invitae Variant Classification Sherloc (09022015). Collection method: clinical testing. Allele origin: germline.
Comment: This sequence change affects codon 196 of the KBTBD13 mRNA. It is a 'silent' change, meaning that it does not change the encoded amino acid sequence of the KBTBD13 protein. This variant is not present in population databases (gnomAD no frequency). This variant has not been reported in the literature in individuals affected with KBTBD13-related conditions. ClinVar contains an entry for this variant (Variation ID: 1335186). In summary, the available evidence is currently insufficient to determine the role of this variant in disease. Therefore, it has been classified as a Variant of Uncertain Significance.

CeGaT Center for Human Genetics Tuebingen
Classification: Likely benign. Last evaluated: 2021-11-01. Review status: criteria provided, single submitter. Criteria: CeGaT Center For Human Genetics Tuebingen Variant Classification Criteria Version 2. Collection method: clinical testing. Allele origin: germline. Affected: yes. Observed: 1 variant allele.

NM_001101362.3(KBTBD13):c.588G>A (p.Glu196=)

Gene: KBTBD13 (kelch repeat and BTB domain containing 13; plus strand). Cytogenetic location: 15q22.31.
Variant type: single nucleotide variant.
Coding change: c.588G>A on transcript NM_001101362.3 (MANE Select); coding-DNA position 588, G replaced by A.
Protein change: p.Glu196=; no amino-acid change (glutamic acid 196 retained).
Molecular consequence: synonymous variant.
Genome position (GRCh38, 1-based): chr15:65,077,403, G>A. VCF-style: chr15-65077403-G-A. GRCh37 (hg19) VCF-style: chr15-65369741-G-A.
Identifiers: ClinVar variation 1335186 (VCV001335186.37), dbSNP rs2086991061, ClinGen allele CA490899061.